The following is an entry in ClinVar:

ClinVar aggregate classification (germline): Pathogenic (1 of 4 stars; one submission).

Allele frequency attached by ClinVar (database versions not stated): gnomAD exomes below 0.00001.
gnomAD v4.1: 2 of 1,613,282 alleles (0.00012%); highest among the groups gnomAD compares: East Asian, 0.0022%; no homozygotes.

Submission:

Labcorp Genetics (formerly Invitae), Labcorp
Classification: Pathogenic. Last evaluated: 2024-01-04. Review status: criteria provided, single submitter. Criteria: Invitae Variant Classification Sherloc (09022015). Collection method: clinical testing. Allele origin: germline.
Comment: This sequence change creates a premature translational stop signal (p.Tyr201*) in the CDH23 gene. It is expected to result in an absent or disrupted protein product. Loss-of-function variants in CDH23 are known to be pathogenic (PMID: 11138009, 21940737). This variant is not present in population databases (gnomAD no frequency). This variant has not been reported in the literature in individuals affected with CDH23-related conditions. ClinVar contains an entry for this variant (Variation ID: 1896503). For these reasons, this variant has been classified as Pathogenic.

Literature cited by the submitters: PubMed 11138009; PubMed 21940737.

NM_022124.6(CDH23):c.603C>G (p.Tyr201Ter)

Gene: CDH23 (cadherin related 23; plus strand). Cytogenetic location: 10q22.1.
Variant type: single nucleotide variant.
Coding change: c.603C>G on transcript NM_022124.6 (MANE Select); coding-DNA position 603, C replaced by G.
Protein change: p.Tyr201Ter; replaces tyrosine 201 with a stop codon.
Molecular consequence: nonsense.
Genome position (GRCh38, 1-based): chr10:71,566,915, C>G. VCF-style: chr10-71566915-C-G. GRCh37 (hg19) VCF-style: chr10-73326672-C-G.
Other names: c.603C>G, p.Tyr201Ter (NM_001171930.2, NM_001171931.2, NM_001171932.2 and 1 more transcripts); short protein forms Y201*.
Identifiers: ClinVar variation 1896503 (VCV001896503.5), dbSNP rs1857438656, ClinGen allele CA377112271.